The following is an entry in ClinVar:

ClinVar aggregate classification (germline): Likely pathogenic. Review status: criteria provided, single submitter (1 of 4 stars). 2 submissions from 2 submitters: Likely pathogenic (1). 1 of the submissions does not count toward it. Last evaluated 2024-10-05.

Conditions:
Type I complement component 8 deficiency. Also called: COMPLEMENT C8 DEFICIENCY, TYPE I; C8AG DEFICIENCY; C8 ALPHA-GAMMA DEFICIENCY. Identifiers: MedGen C3151081, MONDO:0013422, OMIM 613790.

Allele frequency attached by ClinVar (database versions not stated): gnomAD 0.00001; ExAC 0.00002; gnomAD exomes 0.00002.
gnomAD v4.1: 19 of 1,612,092 alleles (0.0012%); highest among the groups gnomAD compares: East Asian, 0.04%; no homozygotes.

Submissions (3):

Labcorp Genetics (formerly Invitae), Labcorp
Classification: Likely pathogenic. Last evaluated: 2024-10-05. Review status: criteria provided, single submitter. Criteria: Invitae Variant Classification Sherloc (09022015). Collection method: clinical testing. Allele origin: germline.
Comment: This sequence change affects a donor splice site in intron 2 of the C8A gene. It is expected to disrupt RNA splicing. Variants that disrupt the donor or acceptor splice site typically lead to a loss of protein function (PMID: 16199547), and loss-of-function variants in C8A are known to be pathogenic (PMID: 9759902). This variant is present in population databases (rs775967055, gnomAD 0.02%). Disruption of this splice site has been observed in individual(s) with C8 deficiency (PMID: 9759902). ClinVar contains an entry for this variant (Variation ID: 29660). Algorithms developed to predict the effect of sequence changes on RNA splicing suggest that this variant may disrupt the consensus splice site. In summary, the currently available evidence indicates that the variant is pathogenic, but additional data are needed to prove that conclusively. Therefore, this variant has been classified as Likely Pathogenic.

OMIM
Classification: Pathogenic for COMPLEMENT C8 DEFICIENCY, TYPE I. Last evaluated: 1998-10-01. Review status: no assertion criteria provided. Collection method: literature only. Allele origin: germline. Not counted in ClinVar's aggregate classification.

Dr. Peter K. Rogan Lab, Western University
No classification provided (evidence only). Condition: Hepatocellular carcinoma. Review status: no classification provided. Collection method: in vitro. Allele origin: not applicable. Functional consequence: skipped exon. Not counted in ClinVar's aggregate classification.

Literature cited by the submitters: PubMed 16199547 (cited by Labcorp Genetics (formerly Invitae), Labcorp); PubMed 9759902 (cited by Labcorp Genetics (formerly Invitae), Labcorp and OMIM).

NM_000562.3(C8A):c.171+1G>T

Gene: C8A (complement C8 alpha chain; plus strand). Cytogenetic location: 1p32.2.
Variant type: single nucleotide variant.
Coding change: c.171+1G>T on transcript NM_000562.3 (MANE Select); the canonical splice donor site of the intron after coding-DNA position 171, G replaced by T.
Molecular consequence: splice donor variant.
Genome position (GRCh38, 1-based): chr1:56,867,703, G>T. VCF-style: chr1-56867703-G-T. GRCh37 (hg19) VCF-style: chr1-57333376-G-T.
Other names: C8A, IVS2, G-T, +1; IVS2, G-T, +1.
Identifiers: ClinVar variation 29660 (VCV000029660.5), dbSNP rs775967055, ClinGen allele CA874935.